The following is an entry in ClinVar:

ClinVar aggregate classification (germline): Benign. Review status: criteria provided, multiple submitters, no conflicts (2 of 4 stars). 2 submissions from 2 submitters: Benign (2). Last evaluated 2018-01-13.

Conditions:
Familial visceral amyloidosis, Ostertag type (AMYLD2). Also called: AMYLOIDOSIS VIII; Ostertag type amyloidosis; Familial visceral amyloidosis; Hereditary Renal Amyloidosis; Amyloidosis, hepatic and systemic; AMYLOIDOSIS, HEREDITARY SYSTEMIC 2. Identifiers: Orphanet 85450, MedGen C0268389, MONDO:0007099, OMIM 105200.

Allele frequency attached by ClinVar (database versions not stated): 1000 Genomes Project 0.00060; 1000 Genomes Project 30x 0.00062; TOPMed 0.00130; gnomAD 0.00170 and 0.00177; gnomAD exomes 0.00187.
gnomAD v4.1: 380 of 220,558 alleles (0.17%); highest among the groups gnomAD compares: Middle Eastern, 0.4%; 2 homozygotes.

Submissions (2):

Illumina Laboratory Services, Illumina
Classification: Benign for Familial visceral amyloidosis, Ostertag type. Last evaluated: 2018-01-13. Review status: criteria provided, single submitter. Criteria: ICSL Variant Classification Criteria 13 December 2019. Collection method: clinical testing. Allele origin: germline.
Comment: This variant was observed in the ICSL laboratory as part of a predisposition screen in an ostensibly healthy population. It had not been previously curated by ICSL or reported in the Human Gene Mutation Database (HGMD: prior to June 1st, 2018), and was therefore a candidate for classification through an automated scoring system. Utilizing variant allele frequency, disease prevalence and penetrance estimates, and inheritance mode, an automated score was calculated to assess if this variant is too frequent to cause the disease. Based on the score and internal cut-off values, a variant classified as benign is not then subjected to further curation. The score for this variant resulted in a classification of benign for this disease.

Breakthrough Genomics
Classification: Benign. Review status: criteria provided, single submitter. Criteria: ACMG Guidelines, 2015. Collection method: not provided. Allele origin: germline. Inheritance: Autosomal dominant inheritance. Affected: yes.

NM_000239.3(LYZ):c.*418C>A

Gene: LYZ (lysozyme; plus strand). Cytogenetic location: 12q15.
Variant type: single nucleotide variant.
Coding change: c.*418C>A on transcript NM_000239.3 (MANE Select); 418 bases downstream of the stop codon, C replaced by A.
Molecular consequence: 3 prime UTR variant.
Genome position (GRCh38, 1-based): chr12:69,353,637, C>A. VCF-style: chr12-69353637-C-A. GRCh37 (hg19) VCF-style: chr12-69747417-C-A.
Identifiers: ClinVar variation 310344 (VCV000310344.6), dbSNP rs534565279, ClinGen allele CA10643273.